The following is an entry in ClinVar:

NM_022065.5(THADA):c.4015TCT[1] (p.Ser1340del)

Gene: THADA (THADA armadillo repeat containing; minus strand). Cytogenetic location: 2p21.
Variant type: Microsatellite.
Coding change: c.4015TCT[1] on transcript NM_022065.5 (MANE Select); one copy of the 3-base unit TCT starting at c.4015; the reference has two copies in a row; one copy, 3 bases deleted.
Protein change: p.Ser1340del; deletes serine 1340.
Molecular consequence: non-coding transcript variant (on NR_073394.2).
Genome position (GRCh38, 1-based): chr2:43,428,138-43,428,140, AGA deleted on the plus strand (TCT on the coding strand, the reverse complement: THADA is on the minus strand); deleting any 3 consecutive bases within chr2:43,428,138-43,428,145 gives the same sequence; the position shown is the placement nearest the transcript's 3' end. VCF-style (leftmost placement, unchanged base first): chr2-43428137-CAGA-C. GRCh37 (hg19) VCF-style: chr2-43655276-CAGA-C.
Other names: c.4015TCT[1], p.Ser1340del (NM_001083953.2, NM_001345925.2); c.4012TCT[1], p.Ser1339del (NM_001345923.2); c.3892TCT[1], p.Ser1299del (NM_001345924.2); c.*84_*86CTT[1] (NM_198554.1); short protein forms S1299del, S1339del, S1340del.
Identifiers: ClinVar variation 3044603 (VCV003044603.2), dbSNP rs200282553, ClinGen allele CA1632387.

ClinVar aggregate classification (germline): Benign (0 of 4 stars; one submission).

Conditions:
THADA-related disorder. Also called: THADA-related condition.

Submission:

PreventionGenetics, part of Exact Sciences
Classification: Benign for THADA-related condition. Last evaluated: 2019-03-01. Review status: no assertion criteria provided. Collection method: clinical testing. Allele origin: germline.
Comment: This variant is classified as benign based on ACMG/AMP sequence variant interpretation guidelines (Richards et al. 2015 PMID: 25741868, with internal and published modifications).